The following is an entry in ClinVar:

NM_000143.4(FH):c.689A>G (p.Lys230Arg)

Gene: FH (fumarate hydratase; minus strand). Cytogenetic location: 1q43.
Variant type: single nucleotide variant.
Coding change: c.689A>G on transcript NM_000143.4 (MANE Select); coding-DNA position 689, A replaced by G.
Protein change: p.Lys230Arg; replaces lysine 230 with arginine.
Molecular consequence: missense variant.
Genome position (GRCh38, 1-based): chr1:241,508,652, T>C on the plus strand (A>G on the coding strand, the complement: FH is on the minus strand). VCF-style: chr1-241508652-T-C. GRCh37 (hg19) VCF-style: chr1-241671952-T-C.
Other names: short protein forms K230R.
Identifiers: ClinVar variation 429176 (VCV000429176.20), dbSNP rs752232718, ClinGen allele CA1478630.

ClinVar aggregate classification (germline): Pathogenic. Review status: criteria provided, multiple submitters, no conflicts (2 of 4 stars). 4 submissions from 4 submitters: Pathogenic (4). Last evaluated 2025-08-06.

Conditions:
Hereditary cancer-predisposing syndrome. Also called: Hereditary neoplastic syndrome; Tumor predisposition; Neoplastic Syndromes, Hereditary; Hereditary Cancer Syndrome. Identifiers: Orphanet 140162, MedGen C0027672, MeSH D009386, MONDO:0015356.
Fumarase deficiency (FMRD). Also called: Fumarate Hydratase Deficiency; Fumaric aciduria. Identifiers: Orphanet 24, MedGen C0342770, MONDO:0011730, OMIM 606812.

Allele frequency attached by ClinVar (database versions not stated): gnomAD exomes below 0.00001 and 0.00001; ExAC 0.00001.

Submissions (4):

Ambry Genetics
Classification: Pathogenic for Hereditary cancer-predisposing syndrome. Last evaluated: 2025-08-06. Review status: criteria provided, single submitter. Criteria: Ambry Variant Classification Scheme 2023. Collection method: clinical testing. Allele origin: germline.
Comment: The p.K230R pathogenic mutation (also known as c.689A>G), located in coding exon 5 of the FH gene, results from an A to G substitution at nucleotide position 689. The lysine at codon 230 is replaced by arginine, an amino acid with highly similar properties. This alteration, also designated as K187R, was detected in a newborn with fumarase deficiency in the homozygous state (Coughlin EM et al. Mol. Genet. Metab. 1998 Apr; 63(4):254-62) and in the heterozygote state in multiple individuals with features consistent with a diagnosis of HLRCC (Tomlinson IP et al. Nat. Genet. 2002 Apr; 30(4):406-10; Alam NR et al. Hum. Mol. Genet. 2003 Jun;12(11):1241-52; Toro JR et al. Am. J. Hum. Genet. 2003 Jul;73(1):95-106; Trpkov K et al. Am J Surg Pathol. 2016 07;40:865-75; Al-Shinnag M et al. Front Oncol. 2021 Sep;11:738822; Ambry internal data). In addition, this alteration has been shown to have a significant impact on fumarate hydratase enzymatic activity (Coughlin EM et al. Mol. Genet. Metab. 1998 Apr; 63(4):254-62; Tomlinson IP et al. Nat. Genet. 2002 Apr; 30(4):406-10). This amino acid position is highly conserved in available vertebrate species. In addition, this alteration is predicted to be deleterious by in silico analysis. Based on the supporting evidence, this alteration is interpreted as a disease-causing mutation.

Labcorp Genetics (formerly Invitae), Labcorp
Classification: Pathogenic. Last evaluated: 2025-06-29. Review status: criteria provided, single submitter. Criteria: Invitae Variant Classification Sherloc (09022015). Collection method: clinical testing. Allele origin: germline.
Comment: This sequence change replaces lysine, which is basic and polar, with arginine, which is basic and polar, at codon 230 of the FH protein (p.Lys230Arg). This variant is present in population databases (rs752232718, gnomAD 0.0009%). This missense change has been observed in individual(s) with autosomal dominant FH-related conditions and multiple cutaneous leiomyomas, uterine leiomyomas and/or renal cell carcinoma (PMID: 9635293, 11865300, 12761039, 12772087, 26574848, 31831373; internal data). This variant is also known as Lys187Arg. ClinVar contains an entry for this variant (Variation ID: 429176). Invitae Evidence Modeling of protein sequence and biophysical properties (such as structural, functional, and spatial information, amino acid conservation, physicochemical variation, residue mobility, and thermodynamic stability) indicates that this missense variant is expected to disrupt FH protein function with a positive predictive value of 95%. Experimental studies have shown that this missense change affects FH function (PMID: 9635293, 11865300, 16206287, 19470762). For these reasons, this variant has been classified as Pathogenic.

Quest Diagnostics Nichols Institute San Juan Capistrano
Classification: Pathogenic. Last evaluated: 2023-05-19. Review status: criteria provided, single submitter. Criteria: Quest Diagnostics criteria. Collection method: clinical testing. Allele origin: unknown.
Comment: The FH c.689A>G (p.Lys230Arg) variant has been reported in the published literature in a newborn with Fumarase deficiency (PMID: 9635293 (1998)) and in individuals with conditions associated with hereditary leiomyomatosis and renal cell cancer (HLRCC) (PMID: 11865300 (2002), 12761039 (2003), 12772087 (2003), 26900816 (2016), 26574848 (2016), 34604083 (2021)). Published functional studies showed reduced fumarase activity (PMID: 9635293 (1998), 11865300 (2002), 16206287 (2006), 19470762 (2009)). The frequency of this variant in the general population, 0.000004 (1/251276 chromosomes (Genome Aggregation Database)), is consistent with pathogenicity. Analysis of this variant using bioinformatics tools for the prediction of the effect of amino acid changes on protein structure and function yielded predictions that this variant is damaging. Based on the available information, this variant is classified as pathogenic.

Baylor Genetics
Classification: Pathogenic for Fumarase deficiency. Last evaluated: 2022-06-10. Review status: criteria provided, single submitter. Criteria: ACMG Guidelines, 2015. Collection method: clinical testing. Allele origin: unknown.

Literature cited by the submitters: PubMed 11865300 (cited by 3 submitters); PubMed 21445611 (cited by Ambry Genetics); PubMed 26900816 (cited by Ambry Genetics and Quest Diagnostics Nichols Institute San Juan Capistrano); PubMed 31831373 (cited by Ambry Genetics and Labcorp Genetics (formerly Invitae), Labcorp); PubMed 34604083 (cited by Ambry Genetics and Quest Diagnostics Nichols Institute San Juan Capistrano); PubMed 9635293 (cited by 3 submitters); PubMed 12761039 (cited by Labcorp Genetics (formerly Invitae), Labcorp and Quest Diagnostics Nichols Institute San Juan Capistrano); PubMed 12772087 (cited by Labcorp Genetics (formerly Invitae), Labcorp and Quest Diagnostics Nichols Institute San Juan Capistrano); PubMed 26574848 (cited by Labcorp Genetics (formerly Invitae), Labcorp and Quest Diagnostics Nichols Institute San Juan Capistrano); PubMed 16206287 (cited by Labcorp Genetics (formerly Invitae), Labcorp and Quest Diagnostics Nichols Institute San Juan Capistrano); PubMed 19470762 (cited by Labcorp Genetics (formerly Invitae), Labcorp and Quest Diagnostics Nichols Institute San Juan Capistrano).